The following is an entry in ClinVar:

ClinVar aggregate classification (germline): Likely benign. Review status: criteria provided, multiple submitters, no conflicts (2 of 4 stars). 3 submissions from 3 submitters: Likely benign (3). Last evaluated 2025-12-03.

Conditions:
Immunodeficiency 36 with lymphoproliferation. Also called: ACTIVATED PI3K-DELTA SYNDROME 2; Immunodeficiency 36; Activated PI3K Delta Syndrome Type 2 (APDS2). Identifiers: Orphanet 397596, Orphanet 693681, MedGen C4014934, MONDO:0014453, OMIM 616005.
SHORT syndrome. Also called: LIPODYSTROPHY, PARTIAL, WITH RIEGER ANOMALY AND SHORT STATURE; PIK3R1-Related SHORT Syndrome; SHORT STATURE, HYPEREXTENSIBILITY, HERNIA, OCULAR DEPRESSION, RIEGER ANOMALY, AND TEETHING DELAY. Identifiers: Orphanet 3163, MedGen C0878684, MONDO:0010026, OMIM 269880.
Agammaglobulinemia 7, autosomal recessive (AGM7). Also called: AGAMMAGLOBULINEMIA, AUTOSOMAL RECESSIVE, DUE TO PIK3R1 DEFECT. Identifiers: MedGen C3554689, MONDO:0014083, OMIM 615214.

Allele frequency attached by ClinVar (database versions not stated): ExAC 0.00005; gnomAD 0.00009 and 0.00010; TOPMed 0.00017.
gnomAD v4.1: 59 of 1,599,552 alleles (0.0037%); highest among the groups gnomAD compares: Admixed American, 0.038%; no homozygotes.

Submissions (3):

Labcorp Genetics (formerly Invitae), Labcorp
Classification: Likely benign for SHORT syndrome; Immunodeficiency 36 with lymphoproliferation; Agammaglobulinemia 7, autosomal recessive. Last evaluated: 2025-12-03. Review status: criteria provided, single submitter. Criteria: Invitae Variant Classification Sherloc (09022015). Collection method: clinical testing. Allele origin: germline.

Mayo Clinic Laboratories, Mayo Clinic
Classification: Likely benign. Last evaluated: 2025-06-24. Review status: criteria provided, single submitter. Criteria: ACMG Guidelines, 2015. Collection method: clinical testing. Allele origin: germline. Observed: 1 variant allele.
Comment: BP4, BP7

Blueprint Genetics
Classification: Likely benign. Last evaluated: 2023-08-24. Review status: criteria provided, single submitter. Criteria: ACMG Guidelines, 2015. Collection method: clinical testing. Allele origin: germline.

NM_181523.3(PIK3R1):c.1017G>A (p.Ser339=)

Gene: PIK3R1 (phosphoinositide-3-kinase regulatory subunit 1; plus strand). Cytogenetic location: 5q13.1.
Variant type: single nucleotide variant.
Coding change: c.1017G>A on transcript NM_181523.3 (MANE Select); coding-DNA position 1017, G replaced by A.
Protein change: p.Ser339=; no amino-acid change (serine 339 retained).
Molecular consequence: synonymous variant.
Genome position (GRCh38, 1-based): chr5:68,292,359, G>A. VCF-style: chr5-68292359-G-A. GRCh37 (hg19) VCF-style: chr5-67588187-G-A.
Other names: p.Ser339=; c.207G>A, p.Ser69= (NM_181504.4); c.117G>A, p.Ser39= (NM_181524.2).
Identifiers: ClinVar variation 745674 (VCV000745674.13), dbSNP rs781406681, ClinGen allele CA3290265.